The following is an entry in ClinVar:

ClinVar aggregate classification (germline): Uncertain significance (1 of 4 stars; one submission).

Conditions:
Aicardi-Goutieres syndrome 7 (AGS7). Identifiers: Orphanet 51, MedGen C3888244, MONDO:0014367, OMIM 615846.
Singleton-Merten syndrome 1 (SGMRT1). Also called: Widened medullary cavities of bone, aortic calcification, abnormal dentition, and muscular weakness; Syndrome of widened medullary cavities of the metacarpals and phalanges, aortic calcification and abnormal dentition. Identifiers: Orphanet 85191, MedGen C4225427, MONDO:0024535, OMIM 182250.

Allele frequency attached by ClinVar (database versions not stated): gnomAD exomes below 0.00001.
gnomAD v4.1: 1 of 1,613,284 alleles (0.000062%); highest among the groups gnomAD compares: Non-Finnish European, 0.000085%; no homozygotes.

Submission:

Labcorp Genetics (formerly Invitae), Labcorp
Classification: Uncertain significance for Aicardi-Goutieres syndrome 7; Singleton-Merten syndrome 1. Last evaluated: 2023-06-23. Review status: criteria provided, single submitter. Criteria: Invitae Variant Classification Sherloc (09022015). Collection method: clinical testing. Allele origin: germline.
Comment: This sequence change replaces arginine, which is basic and polar, with glycine, which is neutral and non-polar, at codon 705 of the IFIH1 protein (p.Arg705Gly). This variant is not present in population databases (gnomAD no frequency). This variant has not been reported in the literature in individuals affected with IFIH1-related conditions. Advanced modeling of protein sequence and biophysical properties (such as structural, functional, and spatial information, amino acid conservation, physicochemical variation, residue mobility, and thermodynamic stability) has been performed at Invitae for this missense variant, however the output from this modeling did not meet the statistical confidence thresholds required to predict the impact of this variant on IFIH1 protein function. In summary, the available evidence is currently insufficient to determine the role of this variant in disease. Therefore, it has been classified as a Variant of Uncertain Significance.

NM_022168.4(IFIH1):c.2113A>G (p.Arg705Gly)

Gene: IFIH1 (interferon induced with helicase C domain 1; minus strand). Cytogenetic location: 2q24.2.
Variant type: single nucleotide variant.
Coding change: c.2113A>G on transcript NM_022168.4 (MANE Select); coding-DNA position 2113, A replaced by G.
Protein change: p.Arg705Gly; replaces arginine 705 with glycine.
Molecular consequence: missense variant.
Genome position (GRCh38, 1-based): chr2:162,276,878, T>C on the plus strand (A>G on the coding strand, the complement: IFIH1 is on the minus strand). VCF-style: chr2-162276878-T-C. GRCh37 (hg19) VCF-style: chr2-163133388-T-C.
Other names: p.Arg705Gly; short protein forms R705G.
Identifiers: ClinVar variation 2933764 (VCV002933764.3), dbSNP rs2468958217, ClinGen allele CA348997670.